The following is an entry in ClinVar:

ClinVar aggregate classification (germline): Uncertain significance. Review status: criteria provided, multiple submitters, no conflicts (2 of 4 stars). 2 submissions from 2 submitters: Uncertain significance (2). Last evaluated 2024-04-08.

Conditions:
Primary ciliary dyskinesia. Also called: Ciliary dyskinesia. Identifiers: Orphanet 244, MedGen C0008780, MONDO:0016575, HP:0012265.

Allele frequency attached by ClinVar (database versions not stated): ExAC 0.00001; gnomAD exomes 0.00001; gnomAD 0.00002; TOPMed 0.00002; ESP Exome Variant Server 0.00008.
gnomAD v4.1: 15 of 1,613,662 alleles (0.00093%); highest among the groups gnomAD compares: African/African-American, 0.004%; no homozygotes.

Submissions (2):

Ambry Genetics
Classification: Uncertain significance. Last evaluated: 2024-04-08. Review status: criteria provided, single submitter. Criteria: Ambry Variant Classification Scheme 2023. Collection method: clinical testing. Allele origin: germline.

Labcorp Genetics (formerly Invitae), Labcorp
Classification: Uncertain significance for Primary ciliary dyskinesia. Last evaluated: 2023-10-07. Review status: criteria provided, single submitter. Criteria: Invitae Variant Classification Sherloc (09022015). Collection method: clinical testing. Allele origin: germline.
Comment: This sequence change replaces isoleucine, which is neutral and non-polar, with valine, which is neutral and non-polar, at codon 731 of the DNAH8 protein (p.Ile731Val). This variant is present in population databases (rs368357323, gnomAD 0.004%). This variant has not been reported in the literature in individuals affected with DNAH8-related conditions. ClinVar contains an entry for this variant (Variation ID: 2084895). Algorithms developed to predict the effect of missense changes on protein structure and function output the following: SIFT: "Not Available"; PolyPhen-2: "Not Available"; Align-GVGD: "Not Available". The valine amino acid residue is found in multiple mammalian species, which suggests that this missense change does not adversely affect protein function. In summary, the available evidence is currently insufficient to determine the role of this variant in disease. Therefore, it has been classified as a Variant of Uncertain Significance.

NM_001206927.2(DNAH8):c.2191A>G (p.Ile731Val)

Gene: DNAH8 (dynein axonemal heavy chain 8; plus strand). Cytogenetic location: 6p21.2.
Variant type: single nucleotide variant.
Coding change: c.2191A>G on transcript NM_001206927.2 (MANE Select); coding-DNA position 2191, A replaced by G.
Protein change: p.Ile731Val; replaces isoleucine 731 with valine.
Molecular consequence: missense variant.
Genome position (GRCh38, 1-based): chr6:38,781,305, A>G. VCF-style: chr6-38781305-A-G. GRCh37 (hg19) VCF-style: chr6-38749081-A-G.
Other names: c.2191A>G (NM_001206927.1); c.1540A>G, p.Ile514Val (NM_001371.4); short protein forms I514V, I731V.
Identifiers: ClinVar variation 2084895 (VCV002084895.4), dbSNP rs368357323, ClinGen allele CA3788447.
Genomic context (GRCh38, chr6:38,781,305, plus strand): 5'-TAATTACAGCTTTATCATTCTCAGAAAGATGACCCCCCTCTTGCTCGCAACATGCCCCCT[A>G]TAGCAGGAAAAATACTCTGGGTGAGGCAGCTCTATCGCCGGATAAGTGAGCCCATCAATT-3'
Protein context (NP_001193856.1, residues 721-741): DPPLARNMPP[Ile731Val]AGKILWVRQL